The following is an entry in ClinVar:

ClinVar aggregate classification (germline): Uncertain significance (1 of 4 stars; one submission).

Conditions:
Glycogen storage disease due to muscle beta-enolase deficiency (GSD13). Also called: ENOLASE 3 DEFICIENCY; ENOLASE-BETA DEFICIENCY; GSD XIII; Glycogen Storage Disease Type XIII. Identifiers: Orphanet 99849, MedGen C2752027, MONDO:0013046, OMIM 612932.

Allele frequency attached by ClinVar (database versions not stated): ExAC 0.00001.
gnomAD v4.1: 5 of 1,614,072 alleles (0.00031%); highest among the groups gnomAD compares: African/African-American, 0.0067%; no homozygotes.

Submission:

Labcorp Genetics (formerly Invitae), Labcorp
Classification: Uncertain significance for Glycogen storage disease due to muscle beta-enolase deficiency. Last evaluated: 2021-12-15. Review status: criteria provided, single submitter. Criteria: Invitae Variant Classification Sherloc (09022015). Collection method: clinical testing. Allele origin: germline.
Comment: This sequence change replaces lysine, which is basic and polar, with asparagine, which is neutral and polar, at codon 126 of the ENO3 protein (p.Lys126Asn). This variant is present in population databases (rs762986013, gnomAD 0.007%). This variant has not been reported in the literature in individuals affected with ENO3-related conditions. Algorithms developed to predict the effect of missense changes on protein structure and function (SIFT, PolyPhen-2, Align-GVGD) all suggest that this variant is likely to be disruptive. In summary, the available evidence is currently insufficient to determine the role of this variant in disease. Therefore, it has been classified as a Variant of Uncertain Significance.

NM_053013.4(ENO3):c.378G>C (p.Lys126Asn)

Gene: ENO3 (enolase 3; plus strand). Cytogenetic location: 17p13.2.
Variant type: single nucleotide variant.
Coding change: c.378G>C on transcript NM_053013.4 (MANE Select); coding-DNA position 378, G replaced by C.
Protein change: p.Lys126Asn; replaces lysine 126 with asparagine.
Molecular consequence: missense variant.
Genome position (GRCh38, 1-based): chr17:4,953,779, G>C. VCF-style: chr17-4953779-G-C. GRCh37 (hg19) VCF-style: chr17-4857074-G-C.
Other names: c.249G>C, p.Lys83Asn (NM_001193503.2); c.378G>C, p.Lys126Asn (NM_001374523.1, NM_001976.5); c.405G>C, p.Lys135Asn (NM_001374524.1); short protein forms K126N, K83N, K135N.
Identifiers: ClinVar variation 1955307 (VCV001955307.2), dbSNP rs762986013, ClinGen allele CA8316277.